The following is an entry in ClinVar:

ClinVar aggregate classification (germline): Likely benign (1 of 4 stars; one submission).

gnomAD v4.1: 1 of 1,614,194 alleles (0.000062%); highest among the groups gnomAD compares: Non-Finnish European, 0.000085%; no homozygotes.

Submission:

CeGaT Center for Human Genetics Tuebingen
Classification: Likely benign. Last evaluated: 2025-11-01. Review status: criteria provided, single submitter. Criteria: CeGaT Center For Human Genetics Tuebingen Variant Classification Criteria Version 2. Collection method: clinical testing. Allele origin: germline. Affected: yes. Observed: 1 variant allele.
Comment: ZNF462: BP4, BP7

NM_021224.6(ZNF462):c.4002G>A (p.Arg1334=)

Gene: ZNF462 (zinc finger protein 462; plus strand). Cytogenetic location: 9q31.2.
Variant type: single nucleotide variant.
Coding change: c.4002G>A on transcript NM_021224.6 (MANE Select); coding-DNA position 4002, G replaced by A.
Protein change: p.Arg1334=; no amino-acid change (arginine 1334 retained).
Molecular consequence: synonymous variant. On other transcripts: intron variant (1).
Genome position (GRCh38, 1-based): chr9:106,927,914, G>A. VCF-style: chr9-106927914-G-A. GRCh37 (hg19) VCF-style: chr9-109690195-G-A.
Other names: c.3252+750G>A (NM_001347997.2).
Identifiers: ClinVar variation 4535320 (VCV004535320.6).